The following is an entry in ClinVar:

NM_001128840.3(CACNA1D):c.5329C>T (p.Leu1777Phe)

Gene: CACNA1D (calcium voltage-gated channel subunit alpha1 D; plus strand). Cytogenetic location: 3p21.1.
Variant type: single nucleotide variant.
Coding change: c.5329C>T on transcript NM_001128840.3 (MANE Select); coding-DNA position 5329, C replaced by T.
Protein change: p.Leu1777Phe; replaces leucine 1777 with phenylalanine.
Molecular consequence: missense variant.
Genome position (GRCh38, 1-based): chr3:53,801,346, C>T. VCF-style: chr3-53801346-C-T. GRCh37 (hg19) VCF-style: chr3-53835373-C-T.
Other names: c.5389C>T, p.Leu1797Phe (NM_000720.4); c.5284C>T, p.Leu1762Phe (NM_001128839.3); short protein forms L1762F, L1777F, L1797F.
Identifiers: ClinVar variation 1691065 (VCV001691065.2), dbSNP rs2106780705, ClinGen allele CA353251089.

ClinVar aggregate classification (germline): Uncertain significance (1 of 4 stars; one submission).

Submission:

Laboratorio de Genetica e Diagnostico Molecular, Hospital Israelita Albert Einstein
Classification: Uncertain significance. Last evaluated: 2019-06-18. Review status: criteria provided, single submitter. Criteria: ACMG Guidelines, 2015. Collection method: clinical testing. Allele origin: germline. Affected: yes.
Comment: ACMG classification criteria: PM2